The following is an entry in ClinVar:

ClinVar aggregate classification (germline): Uncertain significance (1 of 4 stars; one submission).

Conditions:
Hereditary cancer-predisposing syndrome. Also called: Tumor predisposition; Hereditary neoplastic syndrome; Neoplastic Syndromes, Hereditary; Hereditary Cancer Syndrome. Identifiers: Orphanet 140162, MedGen C0027672, MeSH D009386, MONDO:0015356.

Submission:

Color Diagnostics, LLC DBA Color Health
Classification: Uncertain significance for Hereditary cancer-predisposing syndrome. Last evaluated: 2023-12-05. Review status: criteria provided, single submitter. Criteria: ACMG Guidelines, 2015. Collection method: clinical testing. Allele origin: germline.
Comment: This missense variant replaces methionine with threonine at codon 2482 of the ATM protein. To our knowledge, functional studies have not been reported for this variant. This variant has not been reported in individuals affected with ATM-related disorders in the literature. This variant has not been identified in the general population by the Genome Aggregation Database (gnomAD). The available evidence is insufficient to determine the role of this variant in disease conclusively. Therefore, this variant is classified as a Variant of Uncertain Significance.

NM_000051.4(ATM):c.7445_7446delinsCT (p.Met2482Thr)

Genes: ATM (ATM serine/threonine kinase; plus strand), C11orf65 (chromosome 11 open reading frame 65; minus strand). Cytogenetic location: 11q22.3.
Variant type: Indel.
Coding change: c.7445_7446delinsCT on transcript NM_000051.4 (MANE Select); coding-DNA positions 7445 to 7446, TG replaced by CT.
Protein change: p.Met2482Thr; replaces methionine 2482 with threonine.
Molecular consequence: missense variant. On other transcripts: intron variant (2).
Genome position (GRCh38, 1-based): chr11:108,330,351-108,330,352, TG replaced by CT. VCF-style: chr11-108330351-TG-CT. GRCh37 (hg19) VCF-style: chr11-108201078-TG-CT.
Other names: c.7445_7446delinsCT, p.Met2482Thr (NM_001351834.2); c.641-21281_641-21280delinsAG (NM_001330368.2); c.*38+4868_*38+4869delinsAG (NM_001351110.2); short protein forms M2482T.
Identifiers: ClinVar variation 629858 (VCV000629858.6), dbSNP rs1565529987, ClinGen allele CA913188485.